The following is an entry in ClinVar:

NM_032217.5(ANKRD17):c.833G>T (p.Gly278Val)

Gene: ANKRD17 (ankyrin repeat domain 17; minus strand). Cytogenetic location: 4q13.3.
Variant type: single nucleotide variant.
Coding change: c.833G>T on transcript NM_032217.5 (MANE Select); coding-DNA position 833, G replaced by T.
Protein change: p.Gly278Val; replaces glycine 278 with valine.
Molecular consequence: missense variant.
Genome position (GRCh38, 1-based): chr4:73,156,038, C>A on the plus strand (G>T on the coding strand, the complement: ANKRD17 is on the minus strand). VCF-style: chr4-73156038-C-A. GRCh37 (hg19) VCF-style: chr4-74021755-C-A.
Other names: c.494G>T, p.Gly165Val (NM_001286771.3); c.833G>T, p.Gly278Val (NM_015574.2, NM_198889.3); short protein forms G165V, G278V.
Identifiers: ClinVar variation 1342984 (VCV001342984.32), dbSNP rs963581326, ClinGen allele CA99686223.
Genomic context (GRCh38, chr4:73,156,038, plus strand): 5'-TTAAAAAAACAACAAATAAGCTTTATTTTGATAATACGAACCTGTGCAAGCTCATAGTAT[C>A]CAGCAGAACAAGCTAAACAAAGGAGGCTCTCCCCTTCCTCTGTGTGTTCATTTACACTTC-3'
Protein context (NP_115593.3, residues 268-288): ESLLCLACSA[Gly278Val]YYELAQVLLA

ClinVar aggregate classification (germline): Conflicting classifications of pathogenicity. Review status: criteria provided, conflicting classifications (1 of 4 stars). 2 submissions from 2 submitters: Likely pathogenic (1); Uncertain significance (1). Last evaluated 2022-06-01.

Conditions:
Chopra-Amiel-Gordon syndrome (CAGS). Also called: ANKRD17-Related Neurodevelopmental Syndrome. Identifiers: MedGen C5561975, MONDO:0859186, OMIM 619504.

Submissions (2):

CeGaT Center for Human Genetics Tuebingen
Classification: Uncertain significance. Last evaluated: 2022-06-01. Review status: criteria provided, single submitter. Criteria: CeGaT Center For Human Genetics Tuebingen Variant Classification Criteria Version 2. Collection method: clinical testing. Allele origin: germline. Affected: yes. Observed: 1 variant allele.
Comment: ANKRD17: PM2, PS2:Moderate, PP2

SIB Swiss Institute of Bioinformatics
Classification: Likely pathogenic for Chopra-Amiel-Gordon syndrome. Last evaluated: 2022-03-01. Review status: criteria provided, single submitter. Criteria: ACMG Guidelines, 2015. Collection method: curation. Allele origin: unknown.
Comment: This variant is interpreted as a likely pathogenic for Chopra-Amiel-Gordon syndrome, autosomal dominant. The following ACMG Tag(s) were applied: Absent from controls (or at extremely low frequency if recessive) in Exome Sequencing Project, 1000 Genomes Project, or Exome Aggregation Consortium (PM2); De novo (paternity and maternity confirmed) (PS2); Multiple lines of computational evidence support a deleterious effect on the gene or gene product (PP3); Missense variant in a gene that has a low rate of benign missense variation and in which missense variants are a common mechanism of disease (PP2).

Literature cited by the submitters: PubMed 33909992 (cited by SIB Swiss Institute of Bioinformatics).